The following is an entry in ClinVar:

ClinVar aggregate classification (germline): Uncertain significance (1 of 4 stars; one submission).

Allele frequency attached by ClinVar (database versions not stated): gnomAD 0.00001.

Submission:

Labcorp Genetics (formerly Invitae), Labcorp
Classification: Uncertain significance. Last evaluated: 2022-02-18. Review status: criteria provided, single submitter. Criteria: Invitae Variant Classification Sherloc (09022015). Collection method: clinical testing. Allele origin: germline.
Comment: This sequence change replaces proline, which is neutral and non-polar, with alanine, which is neutral and non-polar, at codon 3 of the CNNM4 protein (p.Pro3Ala). The frequency data for this variant in the population databases is considered unreliable, as metrics indicate insufficient coverage at this position in the gnomAD database. This variant has not been reported in the literature in individuals affected with CNNM4-related conditions. Algorithms developed to predict the effect of missense changes on protein structure and function are either unavailable or do not agree on the potential impact of this missense change (SIFT: "Tolerated"; PolyPhen-2: "Not Available"; Align-GVGD: "Class C0"). In summary, the available evidence is currently insufficient to determine the role of this variant in disease. Therefore, it has been classified as a Variant of Uncertain Significance.

NM_020184.4(CNNM4):c.7C>G (p.Pro3Ala)

Gene: CNNM4 (cyclin and CBS domain divalent metal cation transport mediator 4; plus strand). Cytogenetic location: 2q11.2.
Variant type: single nucleotide variant.
Coding change: c.7C>G on transcript NM_020184.4 (MANE Select); coding-DNA position 7, C replaced by G.
Protein change: p.Pro3Ala; replaces proline 3 with alanine.
Molecular consequence: missense variant.
Genome position (GRCh38, 1-based): chr2:96,761,006, C>G. VCF-style: chr2-96761006-C-G. GRCh37 (hg19) VCF-style: chr2-97426743-C-G.
Other names: short protein forms P3A.
Identifiers: ClinVar variation 2038789 (VCV002038789.4), dbSNP rs2078754611, ClinGen allele CA347710312.